The following is an entry in ClinVar:

ClinVar aggregate classification (germline): Uncertain significance (1 of 4 stars; one submission).

Conditions:
Inborn genetic diseases. Identifiers: MedGen C0950123, MeSH D030342.

Submission:

Ambry Genetics
Classification: Uncertain significance for Inborn genetic diseases. Last evaluated: 2025-04-05. Review status: criteria provided, single submitter. Criteria: Ambry Variant Classification Scheme 2023. Collection method: clinical testing. Allele origin: germline.
Comment: The p.L304F variant (also known as c.910C>T), located in coding exon 5 of the ERCC6L2 gene, results from a C to T substitution at nucleotide position 910. The leucine at codon 304 is replaced by phenylalanine, an amino acid with highly similar properties. This amino acid position is conserved. In addition, this alteration is predicted to be deleterious by in silico analysis. Based on the available evidence, the clinical significance of this variant remains unclear.

NM_020207.7(ERCC6L2):c.910C>T (p.Leu304Phe)

Gene: ERCC6L2 (ERCC excision repair 6 like 2; plus strand). Cytogenetic location: 9q22.32.
Variant type: single nucleotide variant.
Coding change: c.910C>T on transcript NM_020207.7 (MANE Select); coding-DNA position 910, C replaced by T.
Protein change: p.Leu304Phe; replaces leucine 304 with phenylalanine.
Molecular consequence: missense variant. On other transcripts: non-coding transcript variant (1).
Genome position (GRCh38, 1-based): chr9:95,915,789, C>T. VCF-style: chr9-95915789-C-T. GRCh37 (hg19) VCF-style: chr9-98678071-C-T.
Other names: c.910C>T, p.Leu304Phe (NM_001010895.4, NM_001375291.1, NM_001375292.1 and 2 more transcripts); short protein forms L304F.
Identifiers: ClinVar variation 4019293 (VCV004019293.1).